The following is an entry in ClinVar:

ClinVar aggregate classification (germline): Uncertain significance. Review status: criteria provided, single submitter (1 of 4 stars). 2 submissions from 2 submitters: Uncertain significance (1). 1 of the submissions does not count toward it. Last evaluated 2022-12-06.

Conditions:
FLRT1-related disorder. Also called: FLRT1-related condition.
Peripheral neuropathy. Also called: Neuropathy. Identifiers: MedGen C0031117, MONDO:0005244, HP:0009830.

Allele frequency attached by ClinVar (database versions not stated): ExAC 0.00063; gnomAD exomes 0.00064 and 0.00137; TOPMed 0.00068; gnomAD 0.00081 and 0.00083; ESP Exome Variant Server 0.00154.
gnomAD v4.1: 2,143 of 1,613,662 alleles (0.13%); highest among the groups gnomAD compares: Non-Finnish European, 0.17%; 3 homozygotes.

Submissions (2):

Labcorp Genetics (formerly Invitae), Labcorp
Classification: Uncertain significance for Peripheral neuropathy. Last evaluated: 2022-12-06. Review status: criteria provided, single submitter. Criteria: Invitae Variant Classification Sherloc (09022015). Collection method: clinical testing. Allele origin: germline.
Comment: This sequence change replaces glycine, which is neutral and non-polar, with valine, which is neutral and non-polar, at codon 571 of the FLRT1 protein (p.Gly571Val). This variant is present in population databases (rs143309484, gnomAD 0.1%), and has an allele count higher than expected for a pathogenic variant. In summary, the available evidence is currently insufficient to determine the role of this variant in disease. Therefore, it has been classified as a Variant of Uncertain Significance. Algorithms developed to predict the effect of missense changes on protein structure and function are either unavailable or do not agree on the potential impact of this missense change (SIFT: "Deleterious"; PolyPhen-2: "Possibly Damaging"; Align-GVGD: "Class C15"). ClinVar contains an entry for this variant (Variation ID: 530936). This variant has not been reported in the literature in individuals affected with FLRT1-related conditions.

PreventionGenetics, part of Exact Sciences
Classification: Likely benign for FLRT1-related condition. Last evaluated: 2021-07-12. Review status: no assertion criteria provided. Collection method: clinical testing. Allele origin: germline. Not counted in ClinVar's aggregate classification.
Comment: This variant is classified as likely benign based on ACMG/AMP sequence variant interpretation guidelines (Richards et al. 2015 PMID: 25741868, with internal and published modifications).

NM_013280.5(FLRT1):c.1712G>T (p.Gly571Val)

Genes: FLRT1 (fibronectin leucine rich transmembrane protein 1; plus strand), MACROD1 (mono-ADP ribosylhydrolase 1; minus strand). Cytogenetic location: 11q13.1.
Variant type: single nucleotide variant.
Coding change: c.1712G>T on transcript NM_013280.5 (MANE Select); coding-DNA position 1712, G replaced by T.
Protein change: p.Gly571Val; replaces glycine 571 with valine.
Molecular consequence: missense variant. On other transcripts: intron variant (2).
Genome position (GRCh38, 1-based): chr11:64,117,979, G>T. VCF-style: chr11-64117979-G-T. GRCh37 (hg19) VCF-style: chr11-63885451-G-T.
Other names: c.1712G>T, p.Gly571Val (NM_001384466.1); c.1628G>T, p.Gly543Val (NM_001423967.1); c.517+33260C>A (NM_001411019.1, NM_014067.4); short protein forms G571V, G543V.
Identifiers: ClinVar variation 530936 (VCV000530936.15), dbSNP rs143309484, ClinGen allele CA6067769.
Genomic context (GRCh38, chr11:64,117,979, plus strand): 5'-TGCCCCTGGCGGGCATCATCGGCGGGGCAGTGGCTCTGGTCTTCCTCTTCCTGGTCCTGG[G>T]GGCCATCTGCTGGTACGTGCACCAGGCTGGCGAGCTGCTGACCCGGGAGAGGGCCTACAA-3'
Protein context (NP_037412.2, residues 561-581): VALVFLFLVL[Gly571Val]AICWYVHQAG